The following is an entry in ClinVar:

ClinVar aggregate classification (germline): Pathogenic (1 of 4 stars; one submission).

Submission:

Labcorp Genetics (formerly Invitae), Labcorp
Classification: Pathogenic. Last evaluated: 2021-12-29. Review status: criteria provided, single submitter. Criteria: Invitae Variant Classification Sherloc (09022015). Collection method: clinical testing. Allele origin: germline.
Comment: For these reasons, this variant has been classified as Pathogenic. ClinVar contains an entry for this variant (Variation ID: 947977). This variant has not been reported in the literature in individuals affected with TRAF3IP1-related conditions. This variant is not present in population databases (gnomAD no frequency). This sequence change creates a premature translational stop signal (p.Ile361Phefs*3) in the TRAF3IP1 gene. It is expected to result in an absent or disrupted protein product. Loss-of-function variants in TRAF3IP1 are known to be pathogenic (PMID: 21945076, 26487268).

Literature cited by the submitters: PubMed 21945076; PubMed 26487268.

NM_015650.4(TRAF3IP1):c.1081_1082del (p.Ile361fs)

Gene: TRAF3IP1 (TRAF3 interacting protein 1; plus strand). Cytogenetic location: 2q37.3.
Variant type: Microsatellite.
Coding change: c.1081_1082del on transcript NM_015650.4 (MANE Select); coding-DNA positions 1081 to 1082, 2 bases deleted (AT; older notation c.1081_1082delAT).
Protein change: p.Ile361fs; shifts the reading frame from isoleucine 361.
Molecular consequence: frameshift variant. On other transcripts: intron variant (1).
Genome position (GRCh38, 1-based): chr2:238,338,379-238,338,380, AT deleted; deleting any 2 consecutive bases within chr2:238,338,377-238,338,380 gives the same sequence; the c. name uses the placement nearest the transcript's 3' end. VCF-style (leftmost placement, unchanged base first): chr2-238338376-AAT-A. GRCh37 (hg19) VCF-style: chr2-239247017-AAT-A.
Other names: c.1063+4344_1063+4345del (NM_001139490.1); short protein forms I361fs.
Identifiers: ClinVar variation 947977 (VCV000947977.7), dbSNP rs1698484511, ClinGen allele CA1338078457.